The following is an entry in ClinVar:

ClinVar aggregate classification (germline): Uncertain significance (1 of 4 stars; one submission).

Submission:

Labcorp Genetics (formerly Invitae), Labcorp
Classification: Uncertain significance. Last evaluated: 2022-11-01. Review status: criteria provided, single submitter. Criteria: Invitae Variant Classification Sherloc (09022015). Collection method: clinical testing. Allele origin: germline.
Comment: In summary, the available evidence is currently insufficient to determine the role of this variant in disease. Therefore, it has been classified as a Variant of Uncertain Significance. Advanced modeling of protein sequence and biophysical properties (such as structural, functional, and spatial information, amino acid conservation, physicochemical variation, residue mobility, and thermodynamic stability) has been performed at Invitae for this missense variant, however the output from this modeling did not meet the statistical confidence thresholds required to predict the impact of this variant on TULP1 protein function. ClinVar contains an entry for this variant (Variation ID: 1018008). This variant has not been reported in the literature in individuals affected with TULP1-related conditions. This variant is not present in population databases (gnomAD no frequency). This sequence change replaces glutamic acid, which is acidic and polar, with alanine, which is neutral and non-polar, at codon 431 of the TULP1 protein (p.Glu431Ala).

NM_003322.6(TULP1):c.1292A>C (p.Glu431Ala)

Gene: TULP1 (TUB like protein 1; minus strand). Cytogenetic location: 6p21.31.
Variant type: single nucleotide variant.
Coding change: c.1292A>C on transcript NM_003322.6 (MANE Select); coding-DNA position 1292, A replaced by C.
Protein change: p.Glu431Ala; replaces glutamic acid 431 with alanine.
Molecular consequence: missense variant.
Genome position (GRCh38, 1-based): chr6:35,503,590, T>G on the plus strand (A>C on the coding strand, the complement: TULP1 is on the minus strand). VCF-style: chr6-35503590-T-G. GRCh37 (hg19) VCF-style: chr6-35471367-T-G.
Other names: c.1133A>C, p.Glu378Ala (NM_001289395.2); short protein forms E378A, E431A.
Identifiers: ClinVar variation 1018008 (VCV001018008.8), dbSNP rs1761015263, ClinGen allele CA363779089.